The following is an entry in ClinVar:

ClinVar aggregate classification (germline): Pathogenic (1 of 4 stars; one submission).

Conditions:
Ehlers-Danlos syndrome, classic type, 1 (EDSCL1). Also called: EHLERS-DANLOS SYNDROME, GRAVIS TYPE; EHLERS-DANLOS SYNDROME, SEVERE CLASSIC TYPE; Ehlers-Danlos syndrome, type 1; EDS I; Ehlers-Danlos Syndrome, Classic Type, COL5A1-Related. Identifiers: MedGen C0268335, MONDO:0019567, OMIM 130000.
Osteogenesis imperfecta type I (OI1). Also called: OI, TYPE I; OSTEOGENESIS IMPERFECTA TARDA; OSTEOGENESIS IMPERFECTA WITH BLUE SCLERAE; Osteogenesis imperfecta type 1; Lobstein's Disease; Lobstein disease. Identifiers: Orphanet 216796, Orphanet 666, MedGen C0023931, MONDO:0008146, OMIM 166200. Disease mechanism: loss of function.

Submission:

Labcorp Genetics (formerly Invitae), Labcorp
Classification: Pathogenic for Osteogenesis imperfecta type I; Ehlers-Danlos syndrome, classic type, 1. Last evaluated: 2022-05-15. Review status: criteria provided, single submitter. Criteria: Invitae Variant Classification Sherloc (09022015). Collection method: clinical testing. Allele origin: germline.
Comment: This sequence change replaces glycine, which is neutral and non-polar, with valine, which is neutral and non-polar, at codon 325 of the COL1A2 protein (p.Gly325Val). This variant is not present in population databases (gnomAD no frequency). For these reasons, this variant has been classified as Pathogenic. This variant disrupts the triple helix domain of COL1A2. Glycine residues within the Gly-Xaa-Yaa repeats of the triple helix domain are required for the structure and stability of fibrillar collagens (PMID: 7695699, 8218237, 19344236). In COL1A2, variants affecting these glycine residues are significantly enriched in individuals with disease (PMID: 9016532, 17078022) compared to the general population (ExAC). Advanced modeling of protein sequence and biophysical properties (such as structural, functional, and spatial information, amino acid conservation, physicochemical variation, residue mobility, and thermodynamic stability) performed at Invitae indicates that this missense variant is expected to disrupt COL1A2 protein function. This missense change has been observed in individual(s) with COL1A2-related conditions (Invitae).

Literature cited by the submitters: PubMed 7695699; PubMed 8218237; PubMed 19344236; PubMed 9016532; PubMed 17078022.

NM_000089.4(COL1A2):c.974G>T (p.Gly325Val)

Gene: COL1A2 (collagen type I alpha 2 chain; plus strand). Cytogenetic location: 7q21.3.
Variant type: single nucleotide variant.
Coding change: c.974G>T on transcript NM_000089.4 (MANE Select); coding-DNA position 974, G replaced by T.
Protein change: p.Gly325Val; replaces glycine 325 with valine.
Molecular consequence: missense variant.
Genome position (GRCh38, 1-based): chr7:94,409,760, G>T. VCF-style: chr7-94409760-G-T. GRCh37 (hg19) VCF-style: chr7-94039072-G-T.
Other names: short protein forms G325V.
Identifiers: ClinVar variation 1994577 (VCV001994577.4), dbSNP rs72656395, ClinGen allele CA368220902.
Genomic context (GRCh38, chr7:94,409,760, plus strand): 5'-CCACACTGCATTTTCCTTCACAGGGCCTTCCCGGCGTTGCTGGGGCTCCCGGCCTCCCTG[G>T]ACCCCGCGGTATTCCTGGCCCTGTTGGTGCTGCCGGTGCTACTGGTGCCAGAGGACTTGT-3'
Protein context (NP_000080.2, residues 315-335): PGVAGAPGLP[Gly325Val]PRGIPGPVGA